The following is an entry in ClinVar:

NM_006031.6(PCNT):c.9394A>G (p.Met3132Val)

Gene: PCNT (pericentrin; plus strand). Cytogenetic location: 21q22.3.
Variant type: single nucleotide variant.
Coding change: c.9394A>G on transcript NM_006031.6 (MANE Select); coding-DNA position 9394, A replaced by G.
Protein change: p.Met3132Val; replaces methionine 3132 with valine.
Molecular consequence: missense variant.
Genome position (GRCh38, 1-based): chr21:46,440,855, A>G. VCF-style: chr21-46440855-A-G. GRCh37 (hg19) VCF-style: chr21-47860768-A-G.
Other names: c.8803A>G, p.Met2935Val (NM_001315529.2); short protein forms M2935V, M3132V.
Identifiers: ClinVar variation 4992755 (VCV004992755.1).
Genomic context (GRCh38, chr21:46,440,855, plus strand): 5'-TTTGTCAGCAAGACAGTCTTTGTTTCCTATGATAAAATTTTACTGCTTTTTTTCTTTTAG[A>G]TGGAAAAATTGTACCTGCATTACTTGAGAGCAGAGAGCTTTAGAAAAGCTCTGATTTATC-3'
Protein context (NP_006022.3, residues 3122-3142): SEEAHTSNVK[Met3132Val]EKLYLHYLRA

ClinVar aggregate classification (germline): Uncertain significance (1 of 4 stars; one submission).

Conditions:
PCNT-related disorder. Also called: PCNT-related condition.

gnomAD v4.1: 5 of 1,588,794 alleles (0.00031%); highest among the groups gnomAD compares: East Asian, 0.0089%; no homozygotes.

Submission:

PreventionGenetics, part of Exact Sciences
Classification: Uncertain significance for PCNT-related condition. Last evaluated: 2026-05-06. Review status: criteria provided, single submitter. Criteria: ACMG Guidelines, 2015. Collection method: clinical testing. Allele origin: germline.
Comment: The PCNT c.9394A>G variant is predicted to result in the amino acid substitution p.Met3132Val. To our knowledge, this variant has not been reported in the literature. This variant is reported in 0.064% of alleles in individuals of East Asian descent in gnomAD. Although we suspect that this variant may be benign, at this time, the clinical significance of this variant is uncertain due to the absence of conclusive functional and genetic evidence.